The following is an entry in ClinVar:

NM_004525.3(LRP2):c.9124G>A (p.Gly3042Arg)

Gene: LRP2 (LDL receptor related protein 2; minus strand). Cytogenetic location: 2q31.1.
Variant type: single nucleotide variant.
Coding change: c.9124G>A on transcript NM_004525.3 (MANE Select); coding-DNA position 9124, G replaced by A.
Protein change: p.Gly3042Arg; replaces glycine 3042 with arginine.
Molecular consequence: missense variant.
Genome position (GRCh38, 1-based): chr2:169,188,174, C>T on the plus strand (G>A on the coding strand, the complement: LRP2 is on the minus strand). VCF-style: chr2-169188174-C-T. GRCh37 (hg19) VCF-style: chr2-170044684-C-T.
Other names: c.9124G>A (NM_004525.2); short protein forms G3042R.
Identifiers: ClinVar variation 1394311 (VCV001394311.7), dbSNP rs376039022, ClinGen allele CA1953660.

ClinVar aggregate classification (germline): Uncertain significance. Review status: criteria provided, multiple submitters, no conflicts (2 of 4 stars). 3 submissions from 3 submitters: Uncertain significance (3). Last evaluated 2025-01-09.

Conditions:
Inborn genetic diseases. Identifiers: MedGen C0950123, MeSH D030342.
Donnai-Barrow syndrome. Also called: DBS/FOAR SYNDROME; FACIOOCULOACOUSTICORENAL SYNDROME. Identifiers: Orphanet 2143, MedGen C1857277, MONDO:0009104, OMIM 222448.

Allele frequency attached by ClinVar (database versions not stated): gnomAD exomes 0.00001 and 0.00002; ExAC 0.00004; gnomAD 0.00006; ESP Exome Variant Server 0.00008.
gnomAD v4.1: 22 of 1,613,994 alleles (0.0014%); highest among the groups gnomAD compares: African/African-American, 0.016%; no homozygotes.

Submissions (3):

Ambry Genetics
Classification: Uncertain significance for Inborn genetic diseases. Last evaluated: 2025-01-09. Review status: criteria provided, single submitter. Criteria: Ambry Variant Classification Scheme 2023. Collection method: clinical testing. Allele origin: germline.

Fulgent Genetics
Classification: Uncertain significance for Donnai-Barrow syndrome. Last evaluated: 2024-05-08. Review status: criteria provided, single submitter. Criteria: ACMG Guidelines, 2015. Collection method: clinical testing. Allele origin: germline.

Labcorp Genetics (formerly Invitae), Labcorp
Classification: Uncertain significance. Last evaluated: 2022-03-09. Review status: criteria provided, single submitter. Criteria: Invitae Variant Classification Sherloc (09022015). Collection method: clinical testing. Allele origin: germline.
Comment: Algorithms developed to predict the effect of sequence changes on RNA splicing suggest that this variant may create or strengthen a splice site. In summary, the available evidence is currently insufficient to determine the role of this variant in disease. Therefore, it has been classified as a Variant of Uncertain Significance. Advanced modeling of protein sequence and biophysical properties (such as structural, functional, and spatial information, amino acid conservation, physicochemical variation, residue mobility, and thermodynamic stability) performed at Invitae indicates that this missense variant is expected to disrupt LRP2 protein function. This variant has not been reported in the literature in individuals affected with LRP2-related conditions. This variant is present in population databases (rs376039022, gnomAD 0.01%). This sequence change replaces glycine, which is neutral and non-polar, with arginine, which is basic and polar, at codon 3042 of the LRP2 protein (p.Gly3042Arg).